The following is an entry in ClinVar:

NM_001165963.4(SCN1A):c.4539dup (p.Leu1514fs)

Genes: SCN1A (sodium voltage-gated channel alpha subunit 1; minus strand), LOC102724058 (uncharacterized LOC102724058; plus strand). Cytogenetic location: 2q24.3.
Variant type: Duplication.
Coding change: c.4539dup on transcript NM_001165963.4 (MANE Select); coding-DNA position 4539, one base duplicated (A; older notation c.4539dupA).
Protein change: p.Leu1514fs; shifts the reading frame from leucine 1514.
Molecular consequence: frameshift variant. On other transcripts: non-coding transcript variant (1).
Genome position (GRCh38, 1-based): chr2:165,996,055, T duplicated on the plus strand (A on the coding strand, the reverse complement: SCN1A is on the minus strand); the first of 6 consecutive T bases (chr2:165,996,055-165,996,060); duplicating any one gives the same sequence. VCF-style (leftmost placement, unchanged base first): chr2-165996054-A-AT. GRCh37 (hg19) VCF-style: chr2-166852564-A-AT.
Other names: c.4455dup, p.Leu1486fs (NM_001165964.3, NM_001353957.2, NM_001353958.2); c.4539dup, p.Leu1514fs (NM_001202435.3, NM_001353948.2); c.4506dup, p.Leu1503fs (NM_001353949.2, NM_001353950.2, NM_001353951.2 and 2 more transcripts); c.4503dup, p.Leu1502fs (NM_001353954.2, NM_001353955.2); c.4452dup, p.Leu1485fs (NM_001353960.2); c.2097dup, p.Leu700fs (NM_001353961.2); short protein forms L1502fs, L1503fs, L1486fs, L1485fs, L1514fs, L700fs.
Identifiers: ClinVar variation 801793 (VCV000801793.4), dbSNP rs1573973548, ClinGen allele CA915942871.
Genomic context (GRCh38, chr2:165,996,054, plus strand): 5'-ATCATTTGATACTTCTTACTCCTGGTCGAGGTATAGGCTTTTGCGGTTTTTTCGATCCTA[A>AT]TTTTTTCATTGCATTATAGTATTTCTTCTGTTCTTCTGTCATAAAGATGTCTTGACCTCC-3'

ClinVar aggregate classification (germline): Pathogenic. Review status: criteria provided, multiple submitters, no conflicts (2 of 4 stars). 2 submissions from 2 submitters: Pathogenic (2). Last evaluated 2023-03-09.

Conditions:
Early-infantile DEE. Also called: Early infantile epileptic encephalopathy; Ohtahara syndrome; Early infantile epileptic encephalopathy with suppression bursts. Identifiers: Orphanet 1934, MedGen C0393706, MONDO:0800491.
Severe myoclonic epilepsy in infancy (DRVT). Also called: DEVELOPMENTAL AND EPILEPTIC ENCEPHALOPATHY 6A; Severe Myoclonic Epilepsy in Infancy (SMEI); Dravet syndrome; Epileptic encephalopathy, early infantile, 6 (Dravet syndrome); SEVERE MYOCLONIC EPILEPSY OF INFANCY. Identifiers: Orphanet 33069, MedGen C0751122, MONDO:0100135, OMIM 607208.

Submissions (2):

Labcorp Genetics (formerly Invitae), Labcorp
Classification: Pathogenic for Early-infantile DEE. Last evaluated: 2023-03-09. Review status: criteria provided, single submitter. Criteria: Invitae Variant Classification Sherloc (09022015). Collection method: clinical testing. Allele origin: germline.
Comment: This variant is not present in population databases (gnomAD no frequency). For these reasons, this variant has been classified as Pathogenic. ClinVar contains an entry for this variant (Variation ID: 801793). This premature translational stop signal has been observed in individual(s) with SCN1A-related conditions (PMID: 28664031). This sequence change creates a premature translational stop signal (p.Leu1514Ilefs*23) in the SCN1A gene. It is expected to result in an absent or disrupted protein product. Loss-of-function variants in SCN1A are known to be pathogenic (PMID: 17347258, 18930999).

Mendelics
Classification: Pathogenic for Severe myoclonic epilepsy in infancy. Last evaluated: 2019-05-28. Review status: criteria provided, single submitter. Criteria: Mendelics Assertion Criteria 2017. Collection method: clinical testing. Allele origin: unknown.

Literature cited by the submitters: PubMed 28664031 (cited by Labcorp Genetics (formerly Invitae), Labcorp); PubMed 17347258 (cited by Labcorp Genetics (formerly Invitae), Labcorp); PubMed 18930999 (cited by Labcorp Genetics (formerly Invitae), Labcorp).